The following is an entry in ClinVar:

ClinVar aggregate classification (germline): Likely benign (0 of 4 stars; one submission).

Conditions:
BFSP1-related disorder. Also called: BFSP1-related condition.

gnomAD v4.1: 221 of 1,612,970 alleles (0.014%); highest among the groups gnomAD compares: African/African-American, 0.25%; no homozygotes.

Submission:

PreventionGenetics, part of Exact Sciences
Classification: Likely benign for BFSP1-related condition. Last evaluated: 2024-04-22. Review status: no assertion criteria provided. Collection method: clinical testing. Allele origin: germline.
Comment: This variant is classified as likely benign based on ACMG/AMP sequence variant interpretation guidelines (Richards et al. 2015 PMID: 25741868, with internal and published modifications).

NM_001195.5(BFSP1):c.939C>T (p.Ile313=)

Gene: BFSP1 (beaded filament structural protein 1; minus strand). Cytogenetic location: 20p12.1.
Variant type: single nucleotide variant.
Coding change: c.939C>T on transcript NM_001195.5 (MANE Select); coding-DNA position 939, C replaced by T.
Protein change: p.Ile313=; no amino-acid change (isoleucine 313 retained).
Molecular consequence: synonymous variant.
Genome position (GRCh38, 1-based): chr20:17,498,837, G>A on the plus strand (C>T on the coding strand, the complement: BFSP1 is on the minus strand). VCF-style: chr20-17498837-G-A. GRCh37 (hg19) VCF-style: chr20-17479482-G-A.
Other names: c.564C>T, p.Ile188= (NM_001161705.2); c.522C>T, p.Ile174= (NM_001278606.2, NM_001278608.2); c.606C>T, p.Ile202= (NM_001278607.2); c.831C>T, p.Ile277= (NM_001424338.1).
Identifiers: ClinVar variation 3354128 (VCV003354128.1).